The following is an entry in ClinVar:

ClinVar aggregate classification (germline): Benign/Likely benign. Review status: criteria provided, multiple submitters, no conflicts (2 of 4 stars). 8 submissions from 8 submitters: Benign (2); Likely benign (5). 1 of the submissions does not count toward it. Last evaluated 2026-03-01.

Conditions:
Familial temporal lobe epilepsy 7. Identifiers: Orphanet 101046, MedGen C4225327, MONDO:0014639, OMIM 616436.
Norman-Roberts syndrome (LIS2). Also called: Lissencephaly 2 (Norman-Roberts type). Identifiers: Orphanet 89844, MedGen C0796089, MONDO:0009760, OMIM 257320.
RELN-related disorder. Also called: RELN-related condition.

Allele frequency attached by ClinVar (database versions not stated): ExAC 0.00078; ESP Exome Variant Server 0.00200; gnomAD 0.00206 and 0.00218; TOPMed 0.00224; 1000 Genomes Project 0.00280; 1000 Genomes Project 30x 0.00297.
gnomAD v4.1: 601 of 1,614,054 alleles (0.037%); highest among the groups gnomAD compares: African/African-American, 0.71%; 1 homozygote.

Submissions (8):

CeGaT Center for Human Genetics Tuebingen
Classification: Likely benign. Last evaluated: 2026-03-01. Review status: criteria provided, single submitter. Criteria: CeGaT Center For Human Genetics Tuebingen Variant Classification Criteria Version 2. Collection method: clinical testing. Allele origin: germline. Affected: yes. Observed: 2 variant alleles.
Comment: RELN: BP4, BP7

Labcorp Genetics (formerly Invitae), Labcorp
Classification: Benign for Familial temporal lobe epilepsy 7; Norman-Roberts syndrome. Last evaluated: 2026-02-02. Review status: criteria provided, single submitter. Criteria: Invitae Variant Classification Sherloc (09022015). Collection method: clinical testing. Allele origin: germline.

Blueprint Genetics
Classification: Likely benign. Last evaluated: 2024-11-11. Review status: criteria provided, single submitter. Criteria: ACMG Guidelines, 2015. Collection method: clinical testing. Allele origin: germline.

GeneDx
Classification: Likely benign. Last evaluated: 2021-02-20. Review status: criteria provided, single submitter. Criteria: GeneDx Variant Classification Process June 2021. Collection method: clinical testing. Allele origin: germline. Affected: yes.

Illumina Laboratory Services, Illumina
Classification: Likely benign for Norman-Roberts syndrome. Last evaluated: 2018-01-12. Review status: criteria provided, single submitter. Criteria: ICSL Variant Classification Criteria 13 December 2019. Collection method: clinical testing. Allele origin: germline.
Comment: This variant was observed in the ICSL laboratory as part of a predisposition screen in an ostensibly healthy population. It had not been previously curated by ICSL or reported in the Human Gene Mutation Database (HGMD: prior to June 1st, 2018), and was therefore a candidate for classification through an automated scoring system. Utilizing variant allele frequency, disease prevalence and penetrance estimates, and inheritance mode, an automated score was calculated to assess if this variant is too frequent to cause the disease. Based on the score and internal cut-off values, a variant classified as likely benign is not then subjected to further curation. The score for this variant resulted in a classification of likely benign for this disease.

Eurofins Ntd Llc (ga)
Classification: Benign. Last evaluated: 2015-04-23. Review status: criteria provided, single submitter. Criteria: EGL Classification Definitions 2015. Collection method: clinical testing. Allele origin: germline. Observed: 2 variant alleles, 2 heterozygotes.

Breakthrough Genomics
Classification: Likely benign. Review status: criteria provided, single submitter. Criteria: ACMG Guidelines, 2015. Collection method: not provided. Allele origin: germline. Inheritance: Autosomal recessive inheritance. Affected: yes.

PreventionGenetics, part of Exact Sciences
Classification: Benign for RELN-related condition. Last evaluated: 2021-06-25. Review status: no assertion criteria provided. Collection method: clinical testing. Allele origin: germline. Not counted in ClinVar's aggregate classification.
Comment: This variant is classified as benign based on ACMG/AMP sequence variant interpretation guidelines (Richards et al. 2015 PMID: 25741868, with internal and published modifications).

NM_005045.4(RELN):c.9321C>T (p.Leu3107=)

Genes: RELN (reelin; minus strand), SLC26A5-AS1 (SLC26A5 antisense RNA 1; plus strand). Cytogenetic location: 7q22.1.
Variant type: single nucleotide variant.
Coding change: c.9321C>T on transcript NM_005045.4 (MANE Select); coding-DNA position 9321, C replaced by T.
Protein change: p.Leu3107=; no amino-acid change (leucine 3107 retained).
Molecular consequence: synonymous variant.
Genome position (GRCh38, 1-based): chr7:103,495,771, G>A on the plus strand (C>T on the coding strand, the complement: RELN is on the minus strand). VCF-style: chr7-103495771-G-A. GRCh37 (hg19) VCF-style: chr7-103136218-G-A.
Other names: c.9321C>T, p.Leu3107= (NM_173054.3).
Identifiers: ClinVar variation 198004 (VCV000198004.45), dbSNP rs150387973, ClinGen allele CA203178.